The following is an entry in ClinVar:

NM_130839.5(UBE3A):c.2080_2081del (p.Lys694fs)

Genes: SNHG14 (small nucleolar RNA host gene 14; plus strand), UBE3A (ubiquitin protein ligase E3A; minus strand). Cytogenetic location: 15q11.2.
Variant type: Deletion.
Coding change: c.2080_2081del on transcript NM_130839.5 (MANE Select); coding-DNA positions 2080 to 2081, 2 bases deleted (AA; older notation c.2080_2081delAA).
Protein change: p.Lys694fs; shifts the reading frame from lysine 694.
Molecular consequence: frameshift variant. On other transcripts: non-coding transcript variant (1), intron variant (1).
Genome position (GRCh38, 1-based): chr15:25,355,935-25,355,936, TT deleted on the plus strand (AA on the coding strand, the reverse complement: UBE3A is on the minus strand); deleting any 2 consecutive bases within chr15:25,355,935-25,355,937 gives the same sequence; the c. name uses the placement nearest the transcript's 3' end. VCF-style (leftmost placement, unchanged base first): chr15-25355934-CTT-C. GRCh37 (hg19) VCF-style: chr15-25601081-CTT-C.
Other names: c.2089_2090del, p.Lys697fs (NM_000462.5); c.2080_2081del, p.Lys694fs (NM_001354505.1, NM_001354538.2, NM_001354545.2); c.2020_2021del, p.Lys674fs (NM_001354506.2, NM_001354507.2, NM_001354508.2 and 16 more transcripts); c.1903_1904del, p.Lys635fs (NM_001354546.2); c.829_830del, p.Lys277fs (NM_001354550.2); c.769_770del, p.Lys257fs (NM_001354551.2); c.1899+755_1899+756del (NM_001354549.2); short protein forms K257fs, K277fs, K635fs, K674fs, K694fs, K697fs.
Identifiers: ClinVar variation 4822742 (VCV004822742.4).

ClinVar aggregate classification (germline): Pathogenic (1 of 4 stars; one submission).

Submission:

CeGaT Center for Human Genetics Tuebingen
Classification: Pathogenic. Last evaluated: 2026-01-01. Review status: criteria provided, single submitter. Criteria: CeGaT Center For Human Genetics Tuebingen Variant Classification Criteria Version 2. Collection method: clinical testing. Allele origin: germline. Affected: yes. Observed: 1 variant allele.
Comment: UBE3A: PVS1, PM2